The following is an entry in ClinVar:

NM_024079.5(ALG8):c.478C>T (p.His160Tyr)

Gene: ALG8 (ALG8 alpha-1,3-glucosyltransferase; minus strand). Cytogenetic location: 11q14.1.
Variant type: single nucleotide variant.
Coding change: c.478C>T on transcript NM_024079.5 (MANE Select); coding-DNA position 478, C replaced by T.
Protein change: p.His160Tyr; replaces histidine 160 with tyrosine.
Molecular consequence: missense variant.
Genome position (GRCh38, 1-based): chr11:78,121,065, G>A on the plus strand (C>T on the coding strand, the complement: ALG8 is on the minus strand). VCF-style: chr11-78121065-G-A. GRCh37 (hg19) VCF-style: chr11-77832111-G-A.
Other names: c.478C>T, p.His160Tyr (NM_001007027.3); short protein forms H160Y.
Identifiers: ClinVar variation 1691712 (VCV001691712.5), dbSNP rs763583384, ClinGen allele CA6203473.

ClinVar aggregate classification (germline): Conflicting classifications of pathogenicity. Review status: criteria provided, conflicting classifications (1 of 4 stars). 3 submissions from 3 submitters: Pathogenic (1); Uncertain significance (2). Last evaluated 2025-01-27.

Conditions:
ALG8 congenital disorder of glycosylation. Also called: CONGENITAL DISORDER OF GLYCOSYLATION, TYPE Ih; CDG Ih; ALG8-CDG. Identifiers: Orphanet 79325, MedGen C2931002, MONDO:0011969, OMIM 608104.

Allele frequency attached by ClinVar (database versions not stated): ExAC 0.00001; gnomAD 0.00001.
gnomAD v4.1: 7 of 1,608,448 alleles (0.00044%); highest among the groups gnomAD compares: East Asian, 0.0022%; no homozygotes.

Submissions (3):

Dasa
Classification: Uncertain significance. Last evaluated: 2025-01-27. Review status: criteria provided, single submitter. Criteria: DASA Assertion Criteria. Collection method: clinical testing. Allele origin: germline.
Comment: NM_024079.5(ALG8):c.478C>T (p.His160Tyr) is a missense variant that results in the substitution of histidine with tyrosine. The affected residue or protein region has prior evidence supporting clinical relevance. This variant is rare in population databases. Computational prediction algorithms are consistent with a deleterious effect. The currently available literature and clinical evidence are not sufficient to establish a definitive association between this variant and the reported condition. Therefore, this variant is classified as a variant of uncertain significance.

Labcorp Genetics (formerly Invitae), Labcorp
Classification: Uncertain significance for ALG8 congenital disorder of glycosylation. Last evaluated: 2024-09-23. Review status: criteria provided, single submitter. Criteria: Invitae Variant Classification Sherloc (09022015). Collection method: clinical testing. Allele origin: germline.
Comment: This sequence change replaces histidine, which is basic and polar, with tyrosine, which is neutral and polar, at codon 160 of the ALG8 protein (p.His160Tyr). This variant is present in population databases (rs763583384, gnomAD 0.005%). This variant has not been reported in the literature in individuals affected with ALG8-related conditions. ClinVar contains an entry for this variant (Variation ID: 1691712). An algorithm developed to predict the effect of missense changes on protein structure and function (PolyPhen-2) suggests that this variant is likely to be disruptive. In summary, the available evidence is currently insufficient to determine the role of this variant in disease. Therefore, it has been classified as a Variant of Uncertain Significance.

Hadassah Hebrew University Medical Center
Classification: Pathogenic for ALG8 congenital disorder of glycosylation. Last evaluated: 2022-04-17. Review status: criteria provided, single submitter. Criteria: ACMG Guidelines, 2015. Collection method: clinical testing. Allele origin: germline. Affected: yes.